The following is an entry in ClinVar:

ClinVar aggregate classification (germline): Uncertain significance (1 of 4 stars; one submission).

Conditions:
Hereditary cancer-predisposing syndrome. Also called: Hereditary neoplastic syndrome; Hereditary Cancer Syndrome; Neoplastic Syndromes, Hereditary; Tumor predisposition. Identifiers: Orphanet 140162, MedGen C0027672, MeSH D009386, MONDO:0015356.

Allele frequency attached by ClinVar (database versions not stated): gnomAD exomes below 0.00001.

Submission:

Ambry Genetics
Classification: Uncertain significance for Hereditary cancer-predisposing syndrome. Last evaluated: 2023-04-22. Review status: criteria provided, single submitter. Criteria: Ambry Variant Classification Scheme 2023. Collection method: clinical testing. Allele origin: germline.
Comment: The p.S132L variant (also known as c.395C>T), located in coding exon 4 of the SDHD gene, results from a C to T substitution at nucleotide position 395. The serine at codon 132 is replaced by leucine, an amino acid with dissimilar properties. This amino acid position is conserved. In addition, this alteration is predicted to be deleterious by in silico analysis. Since supporting evidence is limited at this time, the clinical significance of this alteration remains unclear.

NM_003002.4(SDHD):c.395C>T (p.Ser132Leu)

Gene: SDHD (succinate dehydrogenase complex subunit D; plus strand). Cytogenetic location: 11q23.1.
Variant type: single nucleotide variant.
Coding change: c.395C>T on transcript NM_003002.4 (MANE Select); coding-DNA position 395, C replaced by T.
Protein change: p.Ser132Leu; replaces serine 132 with leucine.
Molecular consequence: missense variant. On other transcripts: nonsense (1), 3 prime UTR variant (1), non-coding transcript variant (1).
Genome position (GRCh38, 1-based): chr11:112,094,885, C>T. VCF-style: chr11-112094885-C-T. GRCh37 (hg19) VCF-style: chr11-111965609-C-T.
Other names: c.250C>T, p.Gln84Ter (NM_001276503.2); c.278C>T, p.Ser93Leu (NM_001276504.2); c.*93C>T (NM_001276506.2); short protein forms S132L, S93L, Q84*.
Identifiers: ClinVar variation 2567228 (VCV002567228.2), dbSNP rs2498917523, ClinGen allele CA382619195.